The following is an entry in ClinVar:

NM_000455.5(STK11):c.873_878dup (p.Glu293_Pro294insTyrGlu)

Gene: STK11 (serine/threonine kinase 11; plus strand). Cytogenetic location: 19p13.3.
Variant type: Duplication.
Coding change: c.873_878dup on transcript NM_000455.5 (MANE Select); coding-DNA positions 873 to 878, 6 bases duplicated (GTACGA; older notation c.873_878dupGTACGA).
Protein change: p.Glu293_Pro294insTyrGlu.
Molecular consequence: inframe indel (on NM_000455.4). On other transcripts: non-coding transcript variant (1).
Genome position (GRCh38, 1-based): chr19:1,221,959-1,221,964, GTACGA duplicated; duplicating any 6 consecutive bases within chr19:1,221,957-1,221,964 gives the same sequence; the c. name uses the placement nearest the transcript's 3' end. VCF-style (leftmost placement, unchanged base first): chr19-1221956-T-TGAGTAC. GRCh37 (hg19) VCF-style: chr19-1221955-T-TGAGTAC.
Other names: c.873_878dupGTACGA (NM_000455.4); c.873_878dup, p.Glu293_Pro294insTyrGlu (NM_001407255.1).
Identifiers: ClinVar variation 3450563 (VCV003450563.1).

ClinVar aggregate classification (germline): Uncertain significance (1 of 4 stars; one submission).

Conditions:
Hereditary cancer-predisposing syndrome. Also called: Tumor predisposition; Neoplastic Syndromes, Hereditary; Hereditary neoplastic syndrome; Hereditary Cancer Syndrome. Identifiers: Orphanet 140162, MedGen C0027672, MeSH D009386, MONDO:0015356.

Submission:

Ambry Genetics
Classification: Uncertain significance for Hereditary cancer-predisposing syndrome. Last evaluated: 2024-07-12. Review status: criteria provided, single submitter. Criteria: Ambry Variant Classification Scheme 2023. Collection method: clinical testing. Allele origin: germline.
Comment: The c.873_878dupGTACGA variant (also known as p.Y292_E293dup), located in coding exon 7 of the STK11 gene, results from an in-frame duplication of GTACGA at nucleotide positions 873 to 878. This results in the duplication of 2 extra residues (YE) between codons 292 and 293. This variant has been observed in at least one individual with a personal history that is consistent with Peutz-Jeghers syndrome (Ambry internal data). Based on internal structural analysis, p.Y292_E293dup is deleterious (Ambry internal data). This amino acid region is well conserved in available vertebrate species. In addition, this alteration is predicted to be deleterious by in silico analysis (Choi Y et al. PLoS ONE. 2012; 7(10):e46688). Based on the available evidence, the clinical significance of this variant remains unclear.